The following is an entry in ClinVar:

NM_022089.4(ATP13A2):c.*130C>T

Gene: ATP13A2 (ATPase cation transporting 13A2; minus strand). Cytogenetic location: 1p36.13.
Variant type: single nucleotide variant.
Coding change: c.*130C>T on transcript NM_022089.4 (MANE Select); 130 bases downstream of the stop codon, C replaced by T.
Molecular consequence: 3 prime UTR variant. On other transcripts: missense variant (1).
Genome position (GRCh38, 1-based): chr1:16,986,091, G>A on the plus strand (C>T on the coding strand, the complement: ATP13A2 is on the minus strand). VCF-style: chr1-16986091-G-A. GRCh37 (hg19) VCF-style: chr1-17312586-G-A.
Other names: c.*130C>T (NM_001141973.3); c.3371C>T, p.Pro1124Leu (NM_001141974.3); short protein forms P1124L.
Identifiers: ClinVar variation 293762 (VCV000293762.59), dbSNP rs189334432, ClinGen allele CA636423.
Genomic context (GRCh38, chr1:16,986,091, plus strand): 5'-CGCGGGATGGTCCAAGGTAGGGGACAGTAGTCAACGCTTCCCCAGGGTGGGGGTGGTCTC[G>A]GGGGAGGAGTGTAGACAGTCGCCAACCTCAGGGATGTGGGAGGTGGTGGCGGTGGTGTTG-3'

ClinVar aggregate classification (germline): Conflicting classifications of pathogenicity. Review status: criteria provided, conflicting classifications (1 of 4 stars). 10 submissions from 10 submitters: Uncertain significance (1); Likely benign (6). 3 of the submissions do not count toward it. Last evaluated 2026-09-01.

Conditions:
Isolated cerebellar hypoplasia/agenesis (CHEGDD). Also called: Cerebellar hypoplasia/atrophy, epilepsy, and global developmental delay. Identifiers: Orphanet 1398, Orphanet 2246, MedGen C5231391, MONDO:0008939, OMIM 213000.
Kufor-Rakeb syndrome (KRS). Also called: PARKINSON DISEASE 9, AUTOSOMAL RECESSIVE, JUVENILE-ONSET. Identifiers: Orphanet 306674, Orphanet 314632, MedGen C1847640, MONDO:0011706, OMIM 606693.
Autosomal recessive spastic paraplegia type 78. Identifiers: Orphanet 513436, MedGen C5567893, MONDO:0014975, OMIM 617225.

Allele frequency attached by ClinVar (database versions not stated): 1000 Genomes Project 0.00140; 1000 Genomes Project 30x 0.00156; gnomAD 0.00217 and 0.00320; gnomAD exomes 0.00307; TOPMed 0.00430; ExAC 0.00521.
gnomAD v4.1: 8,466 of 1,548,890 alleles (0.55%); highest among the groups gnomAD compares: Non-Finnish European, 0.68%; 43 homozygotes.

Submissions (10):

CeGaT Center for Human Genetics Tuebingen
Classification: Likely benign. Last evaluated: 2026-09-01. Review status: criteria provided, single submitter. Criteria: CeGaT Center For Human Genetics Tuebingen Variant Classification Criteria Version 2. Collection method: clinical testing. Allele origin: germline. Affected: yes. Observed: 39 variant alleles.
Comment: ATP13A2: PP3, BS2

Blueprint Genetics
Classification: Likely benign. Last evaluated: 2024-11-26. Review status: criteria provided, single submitter. Criteria: ACMG Guidelines, 2015. Collection method: clinical testing. Allele origin: germline.

Department of Pathology and Laboratory Medicine, Sinai Health System
Classification: Likely benign for Kufor-Rakeb syndrome. Last evaluated: 2022-06-02. Review status: criteria provided, single submitter. Criteria: ACMG Guidelines, 2015. Collection method: research. Allele origin: germline.

GeneDx
Classification: Likely benign. Last evaluated: 2020-08-13. Review status: criteria provided, single submitter. Criteria: GeneDx Variant Classification Process June 2021. Collection method: clinical testing. Allele origin: germline. Affected: yes.

Cambridge Genomics Laboratory, East Genomic Laboratory Hub, NHS Genomic Medicine Service
Classification: Likely benign for Isolated cerebellar hypoplasia/agenesis. Last evaluated: 2019-04-17. Review status: criteria provided, single submitter. Criteria: ACGS Best Practice Guidelines for Variant Classification in Rare Disease 2020. Collection method: clinical testing. Allele origin: germline. Affected: yes. Observed: 1 variant allele.

Illumina Laboratory Services, Illumina
Classification: Likely benign for Kufor-Rakeb syndrome. Last evaluated: 2018-01-12. Review status: criteria provided, single submitter. Criteria: ICSL Variant Classification Criteria 13 December 2019. Collection method: clinical testing. Allele origin: germline.
Comment: This variant was observed in the ICSL laboratory as part of a predisposition screen in an ostensibly healthy population. It had not been previously curated by ICSL or reported in the Human Gene Mutation Database (HGMD: prior to June 1st, 2018), and was therefore a candidate for classification through an automated scoring system. Utilizing variant allele frequency, disease prevalence and penetrance estimates, and inheritance mode, an automated score was calculated to assess if this variant is too frequent to cause the disease. Based on the score and internal cut-off values, a variant classified as likely benign is not then subjected to further curation. The score for this variant resulted in a classification of likely benign for this disease.

Center for Genomics, Ann and Robert H. Lurie Children's Hospital of Chicago
Classification: Uncertain significance for Autosomal recessive spastic paraplegia type 78; Kufor-Rakeb syndrome. Review status: criteria provided, single submitter. Criteria: ACMG Guidelines, 2015. Collection method: clinical testing. Allele origin: germline.
Comment: ATP13A2 NM_001141974 exon 27 p.Pro1124Leu (c.3371C>T): This variant has not been reported in the literature but is present in 0.5% (460/81050) of European alleles, including 2 homozygotes in the Genome Aggregation Database. This variant is present in ClinVar (Variation ID:293762). Evolutionary conservation and computational predictive tools for this variant are limited or unavailable. In summary, data on this variant is insufficient for disease classification. Therefore, the clinical significance of this variant is uncertain.

Clinical Genetics DNA and cytogenetics Diagnostics Lab, Erasmus MC, Erasmus Medical Center
Classification: Likely benign. Review status: no assertion criteria provided. Collection method: clinical testing. Allele origin: germline. Affected: yes. Study: VKGL Data-share Consensus. Not counted in ClinVar's aggregate classification.

Diagnostic Laboratory, Department of Genetics, University Medical Center Groningen
Classification: Likely benign. Review status: no assertion criteria provided. Collection method: clinical testing. Allele origin: germline. Affected: yes. Study: VKGL Data-share Consensus. Not counted in ClinVar's aggregate classification.

Laboratory of Diagnostic Genome Analysis, Leiden University Medical Center (LUMC)
Classification: Likely benign. Review status: no assertion criteria provided. Collection method: clinical testing. Allele origin: germline. Affected: yes. Study: VKGL Data-share Consensus. Not counted in ClinVar's aggregate classification.